The following is an entry in ClinVar:

ClinVar aggregate classification (germline): Uncertain significance. Review status: criteria provided, multiple submitters, no conflicts (2 of 4 stars). 2 submissions from 2 submitters: Uncertain significance (2). Last evaluated 2023-02-10.

Allele frequency attached by ClinVar (database versions not stated): gnomAD exomes below 0.00001; TOPMed below 0.00001; gnomAD 0.00001.
gnomAD v4.1: 2 of 1,613,838 alleles (0.00012%); highest among the groups gnomAD compares: East Asian, 0.0022%; no homozygotes.

Submissions (2):

GeneDx
Classification: Uncertain significance. Last evaluated: 2023-02-10. Review status: criteria provided, single submitter. Criteria: GeneDx Variant Classification Process June 2021. Collection method: clinical testing. Allele origin: germline. Affected: yes.
Comment: Not observed at significant frequency in large population cohorts (gnomAD); In silico analysis supports that this missense variant has a deleterious effect on protein structure/function; Has not been previously published as pathogenic or benign to our knowledge

Labcorp Genetics (formerly Invitae), Labcorp
Classification: Uncertain significance. Last evaluated: 2022-09-17. Review status: criteria provided, single submitter. Criteria: Invitae Variant Classification Sherloc (09022015). Collection method: clinical testing. Allele origin: germline.
Comment: In summary, the available evidence is currently insufficient to determine the role of this variant in disease. Therefore, it has been classified as a Variant of Uncertain Significance. Advanced modeling of protein sequence and biophysical properties (such as structural, functional, and spatial information, amino acid conservation, physicochemical variation, residue mobility, and thermodynamic stability) has been performed at Invitae for this missense variant, however the output from this modeling did not meet the statistical confidence thresholds required to predict the impact of this variant on KMT2B protein function. This variant has not been reported in the literature in individuals affected with KMT2B-related conditions. This variant is not present in population databases (gnomAD no frequency). This sequence change replaces arginine, which is basic and polar, with histidine, which is basic and polar, at codon 2679 of the KMT2B protein (p.Arg2679His).

NM_014727.3(KMT2B):c.8036G>A (p.Arg2679His)

Gene: KMT2B (lysine methyltransferase 2B; plus strand). Cytogenetic location: 19q13.12.
Variant type: single nucleotide variant.
Coding change: c.8036G>A on transcript NM_014727.3 (MANE Select); coding-DNA position 8036, G replaced by A.
Protein change: p.Arg2679His; replaces arginine 2679 with histidine.
Molecular consequence: missense variant.
Genome position (GRCh38, 1-based): chr19:35,738,445, G>A. VCF-style: chr19-35738445-G-A. GRCh37 (hg19) VCF-style: chr19-36229346-G-A.
Other names: c.8036G>A (NM_014727.2); short protein forms R2679H.
Identifiers: ClinVar variation 1928864 (VCV001928864.6), dbSNP rs1452431678, ClinGen allele CA405440770.
Genomic context (GRCh38, chr19:35,738,445, plus strand): 5'-GCTTCTCTCGGGTCATCCACGTGGAGGGCCAGAAACACATTGTTATCTTCGCCCTGCGCC[G>A]CATCCTGCGTGGTGAGGAGCTCACCTACGACTACAAGTTCCCCATCGAGGATGCCAGCAA-3'
Protein context (NP_055542.1, residues 2669-2689): QKHIVIFALR[Arg2679His]ILRGEELTYD